The following is an entry in ClinVar:

NM_005343.4(HRAS):c.23T>G (p.Val8Gly)

Genes: HRAS (HRas proto-oncogene, GTPase; minus strand), LRRC56 (leucine rich repeat containing 56; plus strand). Cytogenetic location: 11p15.5.
Variant type: single nucleotide variant.
Coding change: c.23T>G on transcript NM_005343.4 (MANE Select); coding-DNA position 23, T replaced by G.
Protein change: p.Val8Gly; replaces valine 8 with glycine.
Molecular consequence: missense variant. On other transcripts: 5 prime UTR variant (1), intron variant (2).
Genome position (GRCh38, 1-based): chr11:534,300, A>C on the plus strand (T>G on the coding strand, the complement: HRAS is on the minus strand). VCF-style: chr11-534300-A-C. GRCh37 (hg19) VCF-style: chr11-534300-A-C.
Other names: c.23T>G, p.Val8Gly (NM_001130442.3, NM_176795.5); c.-297T>G (NM_001318054.2); c.-161-5280A>C (NM_001441284.1, NM_001441286.1); short protein forms V8G.
Identifiers: ClinVar variation 4803234 (VCV004803234.1).

ClinVar aggregate classification (germline): Uncertain significance (1 of 4 stars; one submission).

Conditions:
Costello syndrome (CSTLO). Also called: FACIOCUTANEOSKELETAL SYNDROME; FCS SYNDROME; HRAS-Related Costello Syndrome. Identifiers: Orphanet 3071, MedGen C0587248, MONDO:0009026, OMIM 218040.

Submission:

Labcorp Genetics (formerly Invitae), Labcorp
Classification: Uncertain significance for Costello syndrome. Last evaluated: 2025-04-23. Review status: criteria provided, single submitter. Criteria: Invitae Variant Classification Sherloc (09022015). Collection method: clinical testing. Allele origin: germline.
Comment: This sequence change replaces valine, which is neutral and non-polar, with glycine, which is neutral and non-polar, at codon 8 of the HRAS protein (p.Val8Gly). This variant is not present in population databases (gnomAD no frequency). This variant has not been reported in the literature in individuals affected with HRAS-related conditions. Invitae Evidence Modeling of protein sequence and biophysical properties (such as structural, functional, and spatial information, amino acid conservation, physicochemical variation, residue mobility, and thermodynamic stability) indicates that this missense variant is expected to disrupt HRAS protein function with a positive predictive value of 95%. In summary, the available evidence is currently insufficient to determine the role of this variant in disease. Therefore, it has been classified as a Variant of Uncertain Significance.